The following is an entry in ClinVar:

NM_022124.6(CDH23):c.5442C>T (p.Ile1814=)

Gene: CDH23 (cadherin related 23; plus strand). Cytogenetic location: 10q22.1.
Variant type: single nucleotide variant.
Coding change: c.5442C>T on transcript NM_022124.6 (MANE Select); coding-DNA position 5442, C replaced by T.
Protein change: p.Ile1814=; no amino-acid change (isoleucine 1814 retained).
Molecular consequence: synonymous variant.
Genome position (GRCh38, 1-based): chr10:71,784,360, C>T. VCF-style: chr10-71784360-C-T. GRCh37 (hg19) VCF-style: chr10-73544117-C-T.
Identifiers: ClinVar variation 227229 (VCV000227229.23), dbSNP rs373768157, ClinGen allele CA5545754.
Genomic context (GRCh38, chr10:71,784,360, plus strand): 5'-CTCTCCTGTGGAGGGGGTGCTAAGGGTCCGGAAGGACGTGGAGCTGGACCGGGAGACCAT[C>T]GCCTTCTACAACCTGACCATCTGTGCCCGTGACCGGGGGATGCCCCCACTCAGCTCCACA-3'
Protein context (NP_071407.4, residues 1804-1824): RKDVELDRET[Ile1814=]AFYNLTICAR

ClinVar aggregate classification (germline): Conflicting classifications of pathogenicity. Review status: criteria provided, conflicting classifications (1 of 4 stars). 7 submissions from 6 submitters: Uncertain significance (2); Likely benign (3). 2 of the submissions do not count toward it. Last evaluated 2026-01-26.

Conditions:
CDH23-related disorder. Also called: CDH23-related condition; CDH23-related disorders.
Usher syndrome type 1 (USH1). Also called: RETINITIS PIGMENTOSA AND CONGENITAL DEAFNESS. Identifiers: Orphanet 231169, Orphanet 886, MedGen C1568247, MONDO:0010168, OMIM 276900.
Autosomal recessive nonsyndromic hearing loss 12. Also called: DEAFNESS, AUTOSOMAL RECESSIVE 12. Identifiers: Orphanet 90636, MedGen C1832394, MONDO:0011067, OMIM 601386.
Usher syndrome type 1D (USH1D). Also called: USHER SYNDROME, TYPE ID. Identifiers: Orphanet 231169, Orphanet 886, MedGen C1832845, MONDO:0010984, OMIM 601067.

Allele frequency attached by ClinVar (database versions not stated): gnomAD 0.00007 and 0.00008; ExAC 0.00008; TOPMed 0.00009; gnomAD exomes 0.00010 and 0.00016; ESP Exome Variant Server 0.00049.
gnomAD v4.1: 256 of 1,613,840 alleles (0.016%); highest among the groups gnomAD compares: Non-Finnish European, 0.02%; no homozygotes.

Submissions (7):

Labcorp Genetics (formerly Invitae), Labcorp
Classification: Likely benign. Last evaluated: 2026-01-26. Review status: criteria provided, single submitter. Criteria: Invitae Variant Classification Sherloc (09022015). Collection method: clinical testing. Allele origin: germline.

Blueprint Genetics
Classification: Likely benign. Last evaluated: 2024-05-21. Review status: criteria provided, single submitter. Criteria: ACMG Guidelines, 2015. Collection method: clinical testing. Allele origin: germline.

Illumina Laboratory Services, Illumina
Classification: Uncertain significance for Autosomal recessive nonsyndromic hearing loss 12. Last evaluated: 2018-01-13. Review status: criteria provided, single submitter. Criteria: ICSL Variant Classification Criteria 13 December 2019. Collection method: clinical testing. Allele origin: germline.

Illumina Laboratory Services, Illumina
Classification: Uncertain significance for Usher syndrome type 1D. Last evaluated: 2018-01-13. Review status: criteria provided, single submitter. Criteria: ICSL Variant Classification Criteria 13 December 2019. Collection method: clinical testing. Allele origin: germline.

Laboratory for Molecular Medicine, Mass General Brigham Personalized Medicine
Classification: Likely benign. Last evaluated: 2012-04-30. Review status: criteria provided, single submitter. Criteria: LMM Criteria. Collection method: clinical testing. Allele origin: germline. Observed: 1 variant allele.
Comment: p.Ile1814Ile in Exon 42 of CDH23: This variant is not expected to have clinical significance because it does not alter an amino acid residue, is not located wit hin the splice consensus sequence, and has been identified in 3/6706 European Am erican chromosomes from a broad population by the NHLBI Exome Sequencing Project.

PreventionGenetics, part of Exact Sciences
Classification: Likely benign for CDH23-related condition. Last evaluated: 2021-04-06. Review status: no assertion criteria provided. Collection method: clinical testing. Allele origin: germline. Not counted in ClinVar's aggregate classification.
Comment: This variant is classified as likely benign based on ACMG/AMP sequence variant interpretation guidelines (Richards et al. 2015 PMID: 25741868, with internal and published modifications).

Natera, Inc.
Classification: Likely benign for Usher syndrome type 1. Last evaluated: 2020-10-08. Review status: no assertion criteria provided. Collection method: clinical testing. Allele origin: germline. Not counted in ClinVar's aggregate classification.